The following is an entry in ClinVar:

ClinVar aggregate classification (germline): Uncertain significance. Review status: criteria provided, multiple submitters, no conflicts (2 of 4 stars). 2 submissions from 2 submitters: Uncertain significance (2). Last evaluated 2025-04-10.

gnomAD v4.1: 49 of 1,613,050 alleles (0.003%); highest among the groups gnomAD compares: Admixed American, 0.02%; no homozygotes.

Submissions (2):

Labcorp Genetics (formerly Invitae), Labcorp
Classification: Uncertain significance. Last evaluated: 2025-04-10. Review status: criteria provided, single submitter. Criteria: Invitae Variant Classification Sherloc (09022015). Collection method: clinical testing. Allele origin: germline.
Comment: This sequence change replaces isoleucine, which is neutral and non-polar, with methionine, which is neutral and non-polar, at codon 863 of the WFS1 protein (p.Ile863Met). This variant is present in population databases (rs71524393, gnomAD 0.01%). This variant has not been reported in the literature in individuals affected with WFS1-related conditions. ClinVar contains an entry for this variant (Variation ID: 2715497). Invitae Evidence Modeling of protein sequence and biophysical properties (such as structural, functional, and spatial information, amino acid conservation, physicochemical variation, residue mobility, and thermodynamic stability) indicates that this missense variant is not expected to disrupt WFS1 protein function with a negative predictive value of 95%. In summary, the available evidence is currently insufficient to determine the role of this variant in disease. Therefore, it has been classified as a Variant of Uncertain Significance.

Blueprint Genetics
Classification: Uncertain significance. Last evaluated: 2022-10-07. Review status: criteria provided, single submitter. Criteria: ACMG Guidelines, 2015. Collection method: clinical testing. Allele origin: germline.

NM_006005.3(WFS1):c.2589C>G (p.Ile863Met)

Gene: WFS1 (wolframin ER transmembrane glycoprotein; plus strand). Cytogenetic location: 4p16.1.
Variant type: single nucleotide variant.
Coding change: c.2589C>G on transcript NM_006005.3 (MANE Select); coding-DNA position 2589, C replaced by G.
Protein change: p.Ile863Met; replaces isoleucine 863 with methionine.
Molecular consequence: missense variant.
Genome position (GRCh38, 1-based): chr4:6,302,384, C>G. VCF-style: chr4-6302384-C-G. GRCh37 (hg19) VCF-style: chr4-6304111-C-G.
Other names: c.2589C>G, p.Ile863Met (NM_001145853.1); short protein forms I863M.
Identifiers: ClinVar variation 2715497 (VCV002715497.4), dbSNP rs71524393, ClinGen allele CA2839794.